The following is an entry in ClinVar:

ClinVar aggregate classification (germline): Likely benign. Review status: criteria provided, multiple submitters, no conflicts (2 of 4 stars). 5 submissions from 5 submitters: Likely benign (3). 2 of the submissions do not count toward it. Last evaluated 2025-10-22.

Conditions:
SLC4A11-related disorder. Also called: SLC4A11-related condition.
Corneal dystrophy-perceptive deafness syndrome (CDPD). Also called: CORNEAL DYSTROPHY AND SENSORINEURAL DEAFNESS; HARBOYAN SYNDROME. Identifiers: Orphanet 1490, MedGen C1857572, MONDO:0009015, OMIM 217400.
Corneal dystrophy. Identifiers: Orphanet 34533, MedGen C0010036, MONDO:0018102, HP:0001131.

Allele frequency attached by ClinVar (database versions not stated): gnomAD 0.00006; ExAC 0.00011; TOPMed 0.00013.
gnomAD v4.1: 154 of 1,612,766 alleles (0.0095%); highest among the groups gnomAD compares: East Asian, 0.067%; no homozygotes.

Submissions (5):

Labcorp Genetics (formerly Invitae), Labcorp
Classification: Likely benign. Last evaluated: 2025-10-22. Review status: criteria provided, single submitter. Criteria: Invitae Variant Classification Sherloc (09022015). Collection method: clinical testing. Allele origin: germline.

Blueprint Genetics
Classification: Likely benign. Last evaluated: 2024-10-28. Review status: criteria provided, single submitter. Criteria: ACMG Guidelines, 2015. Collection method: clinical testing. Allele origin: germline.

Illumina Laboratory Services, Illumina
Classification: Likely benign for Corneal dystrophy. Last evaluated: 2017-04-27. Review status: criteria provided, single submitter. Criteria: ICSL Variant Classification Criteria 13 December 2019. Collection method: clinical testing. Allele origin: germline.
Comment: This variant was observed as part of a predisposition screen in an ostensibly healthy population. A literature search was performed for the gene, cDNA change, and amino acid change (where applicable). Publications were found based on this search. The evidence from the literature, in combination with allele frequency data from public databases where available, was sufficient to determine this variant is unlikely to cause disease. Therefore, this variant is classified as likely benign.

Natera, Inc.
Classification: Likely benign for Corneal dystrophy-perceptive deafness syndrome. Last evaluated: 2020-01-15. Review status: no assertion criteria provided. Collection method: clinical testing. Allele origin: germline. Not counted in ClinVar's aggregate classification.

PreventionGenetics, part of Exact Sciences
Classification: Likely benign for SLC4A11-related condition. Last evaluated: 2019-11-25. Review status: no assertion criteria provided. Collection method: clinical testing. Allele origin: germline. Not counted in ClinVar's aggregate classification.
Comment: This variant is classified as likely benign based on ACMG/AMP sequence variant interpretation guidelines (Richards et al. 2015 PMID: 25741868, with internal and published modifications).

Literature cited by the submitters: PubMed 18024964 (cited by Illumina Laboratory Services, Illumina).

NM_001174089.2(SLC4A11):c.1890G>A (p.Ala630=)

Gene: SLC4A11 (solute carrier family 4 member 11; minus strand). Cytogenetic location: 20p13.
Variant type: single nucleotide variant.
Coding change: c.1890G>A on transcript NM_001174089.2 (MANE Select); coding-DNA position 1890, G replaced by A.
Protein change: p.Ala630=; no amino-acid change (alanine 630 retained).
Molecular consequence: synonymous variant. On other transcripts: non-coding transcript variant (1).
Genome position (GRCh38, 1-based): chr20:3,229,223, C>T on the plus strand (G>A on the coding strand, the complement: SLC4A11 is on the minus strand). VCF-style: chr20-3229223-C-T. GRCh37 (hg19) VCF-style: chr20-3209869-C-T.
Other names: c.2019G>A, p.Ala673= (NM_001174090.2); c.1776G>A, p.Ala592= (NM_001363745.2); c.1938G>A, p.Ala646= (NM_032034.4).
Identifiers: ClinVar variation 727037 (VCV000727037.18), dbSNP rs376848818, ClinGen allele CA9741674.
Genomic context (GRCh38, chr20:3,229,223, plus strand): 5'-GAAGCCGAGGCCCATGGCACCGCTGACGGCCCTCAGGGACAGCGACTGGATCTGCGCCAT[C>T]GCAAAGGGGCTCTCGCTGGGGTTGTAGCGGAACTTGCTCACTGCAGTAGGGGACAGGCTA-3'
Protein context (NP_001167560.1, residues 620-640): FRYNPSESPF[Ala630=]MAQIQSLSLR